The following is an entry in ClinVar:

NM_005676.5(RBM10):c.448C>T (p.Gln150Ter)

Gene: RBM10 (RNA binding motif protein 10; plus strand). Cytogenetic location: Xp11.3.
Variant type: single nucleotide variant.
Coding change: c.448C>T on transcript NM_005676.5 (MANE Select); coding-DNA position 448, C replaced by T.
Protein change: p.Gln150Ter; replaces glutamine 150 with a stop codon.
Molecular consequence: nonsense.
Genome position (GRCh38, 1-based): chrX:47,173,143, C>T. VCF-style: chrX-47173143-C-T. GRCh37 (hg19) VCF-style: chrX-47032542-C-T.
Other names: c.217C>T, p.Gln73Ter (NM_001204466.2, NM_152856.3); c.448C>T, p.Gln150Ter (NM_001204467.2); c.643C>T, p.Gln215Ter (NM_001204468.2); short protein forms Q150*, Q215*, Q73*.
Identifiers: ClinVar variation 137613 (VCV000137613.4), dbSNP rs886044718, ClinGen allele CA10602386.
Genomic context (GRCh38, chrX:47,173,143, plus strand): 5'-GCCCCATTGTGCTGAGCCTGCCCTACTCTGTATCTCCCCGTATAGATCCGTGGCCAGCTG[C>T]AGTCGCACGGCGTGCAAGCACGGGAGGTTCGGCTGATGCGGAACAAATCTTCAGGTGAGC-3'

ClinVar aggregate classification (germline): Pathogenic. Review status: criteria provided, single submitter (1 of 4 stars). 2 submissions from 2 submitters: Pathogenic (1). 1 of the submissions does not count toward it. Last evaluated 2026-01-26.

Conditions:
TARP syndrome (TARPS). Also called: PIERRE ROBIN SYNDROME WITH CONGENITAL HEART MALFORMATION AND CLUBFOOT; TALIPES EQUINOVARUS, ATRIAL SEPTAL DEFECT, ROBIN SEQUENCE, AND PERSISTENCE OF LEFT SUPERIOR VENA CAVA. Identifiers: Orphanet 2886, MedGen C1839463, MONDO:0010711, OMIM 311900.

Submissions (2):

3billion
Classification: Pathogenic for TARP syndrome. Last evaluated: 2026-01-26. Review status: criteria provided, single submitter. Criteria: ACMG Guidelines, 2015. Collection method: clinical testing. Allele origin: germline. Affected: yes.
Comment: The variant is not observed in the gnomAD v4.1.0 dataset. Predicted Consequence/Location: Stop-gained (nonsense): predicted to result in a loss or disruption of normal protein function through nonsense-mediated decay (NMD) or protein truncation. Multiple pathogenic variants are reported downstream of the variant. The variant has been reported to be associated with RBM10-related disorder (ClinVar ID: VCV000137613 /PMID: 24259342). Therefore, this variant is classified as Pathogenic according to the recommendation of ACMG/AMP guideline.

OMIM
Classification: Pathogenic for TARP SYNDROME. Last evaluated: 2014-01-01. Review status: no assertion criteria provided. Collection method: literature only. Allele origin: germline. Not counted in ClinVar's aggregate classification.

Literature cited by the submitters: PubMed 24259342 (cited by 3billion and OMIM).